The following is an entry in ClinVar:

ClinVar aggregate classification (germline): Uncertain significance (1 of 4 stars; one submission).

Allele frequency attached by ClinVar (database versions not stated): gnomAD 0.00001 and 0.00004; TOPMed 0.00002; ExAC 0.00014; 1000 Genomes Project 30x 0.00016; 1000 Genomes Project 0.00020.

Submission:

Labcorp Genetics (formerly Invitae), Labcorp
Classification: Uncertain significance. Last evaluated: 2025-11-03. Review status: criteria provided, single submitter. Criteria: Invitae Variant Classification Sherloc (09022015). Collection method: clinical testing. Allele origin: germline.
Comment: This sequence change replaces proline, which is neutral and non-polar, with leucine, which is neutral and non-polar, at codon 29 of the TIMM50 protein (p.Pro29Leu). This variant is present in population databases (rs115083982, gnomAD 0.2%). This variant has not been reported in the literature in individuals affected with TIMM50-related conditions. ClinVar contains an entry for this variant (Variation ID: 1350827). An algorithm developed to predict the effect of missense changes on protein structure and function outputs the following: PolyPhen-2: "Benign". The leucine amino acid residue is found in multiple mammalian species, which suggests that this missense change does not adversely affect protein function. In summary, the available evidence is currently insufficient to determine the role of this variant in disease. Therefore, it has been classified as a Variant of Uncertain Significance.

NC_000019.10:g.39480630C>T

Gene: TIMM50 (translocase of inner mitochondrial membrane 50; plus strand). Cytogenetic location: 19q13.2.
Variant type: single nucleotide variant.
Genome position: GRCh38 VCF-style: chr19-39480630-C-T. GRCh37 (hg19) VCF-style: chr19-39971270-C-T.
Identifiers: ClinVar variation 1350827 (VCV001350827.6), dbSNP rs115083982, ClinGen allele CA9431543.